The following is an entry in ClinVar:

ClinVar aggregate classification (germline): Uncertain significance (1 of 4 stars; one submission).

Conditions:
Microangiopathy and leukoencephalopathy, pontine, autosomal dominant. Also called: DEMENTIA, HEREDITARY MULTI-INFARCT, SWEDISH TYPE; Pontine autosomal dominant microangiopathy with leukoencephalopathy. Identifiers: Orphanet 477749, MedGen C5231411, MONDO:0032814, OMIM 618564.

Submission:

3billion
Classification: Uncertain significance for Microangiopathy and leukoencephalopathy, pontine, autosomal dominant. Last evaluated: 2024-01-12. Review status: criteria provided, single submitter. Criteria: ACMG Guidelines, 2015. Collection method: clinical testing. Allele origin: germline. Affected: yes.
Comment: The variant is not observed in the gnomAD v2.1.1 dataset. Predicted Consequence/Location: Missense changes are a common disease-causing mechanism. In silico tool predictions suggest damaging effect of the variant on gene or gene product [REVEL: 0.84 (>=0.6, sensitivity 0.68 and specificity 0.92)]. Therefore, this variant is classified as VUS according to the recommendation of ACMG/AMP guideline.

NM_001845.6(COL4A1):c.4462G>A (p.Gly1488Ser)

Gene: COL4A1 (collagen type IV alpha 1 chain; minus strand). Cytogenetic location: 13q34.
Variant type: single nucleotide variant.
Coding change: c.4462G>A on transcript NM_001845.6 (MANE Select); coding-DNA position 4462, G replaced by A.
Protein change: p.Gly1488Ser; replaces glycine 1488 with serine.
Molecular consequence: missense variant.
Genome position (GRCh38, 1-based): chr13:110,162,230, C>T on the plus strand (G>A on the coding strand, the complement: COL4A1 is on the minus strand). VCF-style: chr13-110162230-C-T. GRCh37 (hg19) VCF-style: chr13-110814577-C-T.
Other names: short protein forms G1488S.
Identifiers: ClinVar variation 3775936 (VCV003775936.1).